The following is an entry in ClinVar:

ClinVar aggregate classification (germline): Uncertain significance (1 of 4 stars; one submission).

gnomAD v4.1: 1 of 1,613,534 alleles (0.000062%); highest among the groups gnomAD compares: Non-Finnish European, 0.000085%; no homozygotes.

Submission:

GeneDx
Classification: Uncertain significance. Last evaluated: 2026-03-24. Review status: criteria provided, single submitter. Criteria: GeneDx Variant Classification Process June 2021. Collection method: clinical testing. Allele origin: germline.
Comment: Not observed at significant frequency in large population cohorts (gnomAD); In silico analysis suggests that this missense variant does not alter protein structure/function; Has not been previously published as pathogenic or benign to our knowledge

NM_007192.4(SUPT16H):c.1543C>T (p.Pro515Ser)

Gene: SUPT16H (SPT16 homolog, facilitates chromatin remodeling subunit; minus strand). Cytogenetic location: 14q11.2.
Variant type: single nucleotide variant.
Coding change: c.1543C>T on transcript NM_007192.4 (MANE Select); coding-DNA position 1543, C replaced by T.
Protein change: p.Pro515Ser; replaces proline 515 with serine.
Molecular consequence: missense variant.
Genome position (GRCh38, 1-based): chr14:21,362,916, G>A on the plus strand (C>T on the coding strand, the complement: SUPT16H is on the minus strand). VCF-style: chr14-21362916-G-A. GRCh37 (hg19) VCF-style: chr14-21831075-G-A.
Other names: short protein forms P515S.
Identifiers: ClinVar variation 5017378 (VCV005017378.1).